The following is an entry in ClinVar:

ClinVar aggregate classification (germline): Uncertain significance. Review status: criteria provided, multiple submitters, no conflicts (2 of 4 stars). 16 submissions from 16 submitters: Uncertain significance (15). 1 of the submissions does not count toward it. Last evaluated 2026-01-26.

Conditions:
Hereditary nonpolyposis colorectal neoplasms. Identifiers: MedGen C0009405, MeSH D003123.
Lynch syndrome. Identifiers: Orphanet 144, MedGen C4552100, MONDO:0005835. Disease mechanism: loss of function.
Mismatch repair cancer syndrome 1 (MMRCS1). Also called: MISMATCH REPAIR DEFICIENCY; MMR DEFICIENCY; BRAIN TUMOR-POLYPOSIS SYNDROME 1; BTP1 SYNDROME; CHILDHOOD CANCER SYNDROME. Identifiers: Orphanet 252202, MedGen C5399763, MONDO:0010159, OMIM 276300. Disease mechanism: loss of function.
Lynch syndrome 4 (LYNCH4). Also called: Colorectal cancer, hereditary nonpolyposis, type 4; Hereditary non-polyposis colorectal cancer, type 4. Identifiers: Orphanet 144, MedGen C1838333, MONDO:0013699, OMIM 614337. Disease mechanism: loss of function.
Mismatch repair cancer syndrome 4. Identifiers: MedGen C5436817, MONDO:0030843, OMIM 619101.
Hereditary cancer-predisposing syndrome. Also called: Tumor predisposition; Hereditary neoplastic syndrome; Neoplastic Syndromes, Hereditary; Hereditary Cancer Syndrome. Identifiers: Orphanet 140162, MedGen C0027672, MeSH D009386, MONDO:0015356.

Allele frequency attached by ClinVar (database versions not stated): TOPMed 0.00002; gnomAD exomes 0.00004.
gnomAD v4.1: 56 of 1,611,786 alleles (0.0035%); highest among the groups gnomAD compares: Non-Finnish European, 0.0042%; no homozygotes.

Submissions (16):

Labcorp Genetics (formerly Invitae), Labcorp
Classification: Uncertain significance for Hereditary nonpolyposis colorectal neoplasms. Last evaluated: 2026-01-26. Review status: criteria provided, single submitter. Criteria: Invitae Variant Classification Sherloc (09022015). Collection method: clinical testing. Allele origin: germline.
Comment: This sequence change replaces phenylalanine, which is neutral and non-polar, with leucine, which is neutral and non-polar, at codon 163 of the PMS2 protein (p.Phe163Leu). This variant is not present in population databases (gnomAD no frequency). This missense change has been observed in individual(s) with colorectal and breast cancer (PMID: 28135145, 34326862). ClinVar contains an entry for this variant (Variation ID: 127792). Invitae Evidence Modeling incorporating data from in vitro experimental studies (internal data) indicates that this missense variant is not expected to disrupt PMS2 function with a negative predictive value of 95%. In summary, the available evidence is currently insufficient to determine the role of this variant in disease. Therefore, it has been classified as a Variant of Uncertain Significance.

Center for Genomic Medicine, Rigshospitalet, Copenhagen University Hospital
Classification: Uncertain significance. Last evaluated: 2025-12-29. Review status: criteria provided, single submitter. Criteria: ACMG Guidelines, 2015. Collection method: clinical testing. Allele origin: germline.
Comment: Classification criteria: PP3

Women's Health and Genetics/Laboratory Corporation of America, LabCorp
Classification: Uncertain significance. Last evaluated: 2025-12-16. Review status: criteria provided, single submitter. Criteria: LabCorp Variant Classification Summary - May 2015. Collection method: clinical testing. Allele origin: germline.
Comment: Variant summary: PMS2 c.487T>C (p.Phe163Leu) results in a non-conservative amino acid change in the encoded protein sequence. Algorithms developed to predict the effect of missense changes on protein structure and function all suggest that this variant is likely to be disruptive. The variant was absent in 250538 control chromosomes (gnomAD). The available data on variant occurrences in the general population are insufficient to allow any conclusion about variant significance. c.487T>C has been observed in individuals affected with colorectal cancer or breast cancer without strong evidence of causality (Yurgelun_2017, Bhai_2021). These reports do not provide unequivocal conclusions about association of the variant with Prostate Cancer. To our knowledge, no experimental evidence demonstrating an impact on protein function has been reported. The following publications have been ascertained in the context of this evaluation (PMID: 28135145, 34326862). ClinVar contains an entry for this variant (Variation ID: 127792). Based on the evidence outlined above, the variant was classified as uncertain significance.

Color Diagnostics, LLC DBA Color Health
Classification: Uncertain significance for Hereditary cancer-predisposing syndrome. Last evaluated: 2025-03-31. Review status: criteria provided, single submitter. Criteria: ACMG Guidelines, 2015. Collection method: clinical testing. Allele origin: germline.
Comment: This missense variant replaces phenylalanine with leucine at codon 163 of the PMS2 protein. Computational prediction suggests that this variant may have deleterious impact on protein structure and function. To our knowledge, functional studies have not been reported for this variant. This variant has been reported in an individual affected with colorectal cancer (PMID: 28135145), breast cancer (PMID: 34326862), and unspecified cancer (PMID: 28873162). In a large breast cancer case-control study, this variant has been reported in 4/60466 cases and 1/53461 unaffected controls (PMID: 33471991). This variant has not been identified in the general population by the Genome Aggregation Database (gnomAD). The available evidence is insufficient to determine the role of this variant in disease conclusively. Therefore, this variant is classified as a Variant of Uncertain Significance.

Ambry Genetics
Classification: Uncertain significance for Hereditary cancer-predisposing syndrome. Last evaluated: 2025-01-25. Review status: criteria provided, single submitter. Criteria: Ambry Variant Classification Scheme 2023. Collection method: clinical testing. Allele origin: germline.
Comment: The p.F163L variant (also known as c.487T>C), located in coding exon 5 of the PMS2 gene, results from a T to C substitution at nucleotide position 487. The phenylalanine at codon 163 is replaced by leucine, an amino acid with highly similar properties. This alteration, classified as a variant of unknown significance, was detected in a cohort of 1058 patients with colorectal cancer (Yurgelun MB et al. J. Clin. Oncol., 2017 Apr;35:1086-1095) and in a cohort of 1040 individuals with advanced cancer undergoing paried tumor-normal DNA testing (Mandelker D et al. JAMA, 2017 Sep;318:825-835). This amino acid position is highly conserved in available vertebrate species. In addition, this alteration is predicted to be deleterious by in silico analysis. Since supporting evidence is limited at this time, the clinical significance of this alteration remains unclear.

Blueprint Genetics
Classification: Uncertain significance. Last evaluated: 2024-06-14. Review status: criteria provided, single submitter. Criteria: ACMG Guidelines, 2015. Collection method: clinical testing. Allele origin: germline.

Molecular Pathology, Peter Maccallum Cancer Centre
Classification: Uncertain significance for Lynch syndrome 4. Last evaluated: 2024-05-29. Review status: criteria provided, single submitter. Criteria: ACMG Guidelines, 2015. Collection method: clinical testing. Allele origin: germline. Inheritance: Autosomal dominant inheritance.

Baylor Genetics
Classification: Uncertain significance for Lynch syndrome 4. Last evaluated: 2024-02-05. Review status: criteria provided, single submitter. Criteria: ACMG Guidelines, 2015. Collection method: clinical testing. Allele origin: unknown.

All of Us Research Program, National Institutes of Health
Classification: Uncertain significance for Lynch syndrome. Last evaluated: 2023-12-13. Review status: criteria provided, single submitter. Criteria: ACMG Guidelines, 2015. Collection method: clinical testing. Allele origin: germline. Inheritance: Autosomal dominant inheritance. Observed: 7 variant alleles, 7 heterozygotes.
Comment: This missense variant replaces phenylalanine with leucine at codon 163 of the PMS2 protein. Computational prediction suggests that this variant may have deleterious impact on protein structure and function (internally defined REVEL score threshold >= 0.7, PMID: 27666373). To our knowledge, functional studies have not been reported for this variant. This variant has been reported in an individual affected with colorectal cancer (PMID: 28135145) and unspecified cancer (PMID: 28873162). In a large breast cancer case-control study, this variant has been reported in 4/60466 cases and 1/53461 unaffected controls (PMID: 33471991). This variant has not been identified in the general population by the Genome Aggregation Database (gnomAD). The available evidence is insufficient to determine the role of this variant in disease conclusively. Therefore, this variant is classified as a Variant of Uncertain Significance.

This study involves interpretation of variants in research participants for the purpose of population health screening. Participant phenotype was not available at the time of variant classification. Additional details can be found in publication PMID: 35346344, PMCID: PMC8962531

GeneDx
Classification: Uncertain significance. Last evaluated: 2023-07-06. Review status: criteria provided, single submitter. Criteria: GeneDx Variant Classification Process June 2021. Collection method: clinical testing. Allele origin: germline. Affected: yes.
Comment: Not observed at significant frequency in large population cohorts (gnomAD); In silico analysis supports that this missense variant has a deleterious effect on protein structure/function; Identified in individuals with colorectal or breast cancer (Yurgelun et al., 2017; Dorling et al., 2021); This variant is associated with the following publications: (PMID: 22949387, 28135145, 28873162, 32118206, 33471991, 11574484)

Myriad Genetics, Inc.
Classification: Uncertain significance for Lynch syndrome 4. Last evaluated: 2023-04-04. Review status: criteria provided, single submitter. Criteria: Myriad Autosomal Dominant, Autosomal Recessive and X-Linked Classification Criteria (2023). Collection method: clinical testing. Allele origin: unknown.
Comment: This variant is classified as a variant of uncertain significance as there is insufficient evidence to determine its impact on protein function and/or cancer risk.

Department of Pathology and Laboratory Medicine, Sinai Health System
Classification: Uncertain significance for Lynch syndrome 4; Mismatch repair cancer syndrome 4. Last evaluated: 2021-06-23. Review status: criteria provided, single submitter. Criteria: ACMG Guidelines, 2015. Collection method: clinical testing. Allele origin: germline. Affected: yes.

Sema4
Classification: Uncertain significance for Hereditary cancer-predisposing syndrome. Last evaluated: 2021-05-06. Review status: criteria provided, single submitter. Criteria: Sema4 Curation Guidelines. Collection method: curation. Allele origin: germline.
Comment: The PMS2 c.487T>C (p.F163L) variant has been reported in heterozygosity in at least two individuals with colorectal cancer or unspecified cancer type (PMID: 28135145, 28873162). It was also reported in a case-control study of breast cancer, where it was not significantly enriched in cases compared to controls (PMID: 33471991). This variant is not reported in the population database Genome Aggregation Database (PMID: 32461654) but has been reported in ClinVar (Variation ID: 127792). In silico tools suggest the impact of the variant on protein function is deleterious, though these predictions have not been confirmed by functional studies. Based on the current evidence available, this variant is interpreted as a variant of uncertain significance.

Quest Diagnostics Nichols Institute San Juan Capistrano
Classification: Uncertain significance. Last evaluated: 2018-11-01. Review status: criteria provided, single submitter. Criteria: Quest Diagnostics criteria. Collection method: clinical testing. Allele origin: germline.

Fulgent Genetics
Classification: Uncertain significance for Mismatch repair cancer syndrome 1; Lynch syndrome 4. Last evaluated: 2017-05-23. Review status: criteria provided, single submitter. Criteria: ACMG Guidelines, 2015. Collection method: clinical testing. Allele origin: unknown.

Counsyl
Classification: Uncertain significance for Lynch syndrome 4. Last evaluated: 2016-11-08. Review status: no assertion criteria provided. Collection method: clinical testing. Allele origin: unknown. Not counted in ClinVar's aggregate classification.

Literature cited by the submitters: PubMed 28135145 (cited by 7 submitters); PubMed 34326862 (cited by 3 submitters); PubMed 28873162 (cited by 4 submitters); PubMed 33471991 (cited by 3 submitters).

NM_000535.7(PMS2):c.487T>C (p.Phe163Leu)

Gene: PMS2 (PMS1 homolog 2, mismatch repair system component; minus strand). Cytogenetic location: 7p22.1.
Variant type: single nucleotide variant.
Coding change: c.487T>C on transcript NM_000535.7 (MANE Select); coding-DNA position 487, T replaced by C.
Protein change: p.Phe163Leu; replaces phenylalanine 163 with leucine.
Molecular consequence: missense variant. On other transcripts: 5 prime UTR variant (2), non-coding transcript variant (1).
Genome position (GRCh38, 1-based): chr7:6,002,503, A>G on the plus strand (T>C on the coding strand, the complement: PMS2 is on the minus strand). VCF-style: chr7-6002503-A-G. GRCh37 (hg19) VCF-style: chr7-6042134-A-G.
Other names: p.F163L:TTT>CTT; c.82T>C, p.Phe28Leu (NM_001322003.2, NM_001322004.2, NM_001322005.2 and 3 more transcripts); c.487T>C, p.Phe163Leu (NM_001322006.2, NM_001322014.2); c.169T>C, p.Phe57Leu (NM_001322007.2, NM_001322008.2); c.-398T>C (NM_001322011.2, NM_001322012.2); c.178T>C, p.Phe60Leu (NM_001322015.2); short protein forms F163L, F28L, F57L, F60L.
Identifiers: ClinVar variation 127792 (VCV000127792.38), dbSNP rs587780060, ClinGen allele CA012157.